The following is an entry in ClinVar:

NM_001197104.2(KMT2A):c.707C>T (p.Thr236Ile)

Gene: KMT2A (lysine methyltransferase 2A; plus strand). Cytogenetic location: 11q23.3.
Variant type: single nucleotide variant.
Coding change: c.707C>T on transcript NM_001197104.2 (MANE Select); coding-DNA position 707, C replaced by T.
Protein change: p.Thr236Ile; replaces threonine 236 with isoleucine.
Molecular consequence: missense variant.
Genome position (GRCh38, 1-based): chr11:118,471,866, C>T. VCF-style: chr11-118471866-C-T. GRCh37 (hg19) VCF-style: chr11-118342581-C-T.
Other names: c.806C>T, p.Thr269Ile (NM_001412597.1); c.707C>T, p.Thr236Ile (NM_005933.4); short protein forms T269I, T236I.
Identifiers: ClinVar variation 2048817 (VCV002048817.4), dbSNP rs1184594131, ClinGen allele CA382807527.

ClinVar aggregate classification (germline): Uncertain significance (1 of 4 stars; one submission).

Allele frequency attached by ClinVar (database versions not stated): gnomAD exomes below 0.00001; TOPMed 0.00001.
gnomAD v4.1: 2 of 1,612,418 alleles (0.00012%); highest among the groups gnomAD compares: Non-Finnish European, 0.00017%; no homozygotes.

Submission:

Labcorp Genetics (formerly Invitae), Labcorp
Classification: Uncertain significance. Last evaluated: 2021-12-19. Review status: criteria provided, single submitter. Criteria: Invitae Variant Classification Sherloc (09022015). Collection method: clinical testing. Allele origin: germline.
Comment: This variant is not present in population databases (gnomAD no frequency). In summary, the available evidence is currently insufficient to determine the role of this variant in disease. Therefore, it has been classified as a Variant of Uncertain Significance. Advanced modeling of protein sequence and biophysical properties (such as structural, functional, and spatial information, amino acid conservation, physicochemical variation, residue mobility, and thermodynamic stability) performed at Invitae indicates that this missense variant is not expected to disrupt KMT2A protein function. This variant has not been reported in the literature in individuals affected with KMT2A-related conditions. This sequence change replaces threonine, which is neutral and polar, with isoleucine, which is neutral and non-polar, at codon 236 of the KMT2A protein (p.Thr236Ile).